The following is an entry in ClinVar:

ClinVar aggregate classification (germline): Uncertain significance (1 of 4 stars; one submission).

Conditions:
Seizures, benign familial infantile, 3 (BFIS3). Also called: CONVULSIONS, BENIGN FAMILIAL INFANTILE, 3; Familial neonatal seizures. Identifiers: Orphanet 140927, Orphanet 306, MedGen C1843140, MONDO:0011904, OMIM 607745.
Developmental and epileptic encephalopathy, 11 (DEE11). Also called: Early infantile epileptic encephalopathy 11. Identifiers: Orphanet 1934, MedGen C3150987, MONDO:0013388, OMIM 613721.

Allele frequency attached by ClinVar (database versions not stated): ExAC 0.00001; gnomAD 0.00001.
gnomAD v4.1: 3 of 1,613,518 alleles (0.00019%); highest among the groups gnomAD compares: Admixed American, 0.005%; no homozygotes.

Submission:

Labcorp Genetics (formerly Invitae), Labcorp
Classification: Uncertain significance for Seizures, benign familial infantile, 3; Developmental and epileptic encephalopathy, 11. Last evaluated: 2022-11-02. Review status: criteria provided, single submitter. Criteria: Invitae Variant Classification Sherloc (09022015). Collection method: clinical testing. Allele origin: germline.
Comment: This sequence change replaces leucine, which is neutral and non-polar, with valine, which is neutral and non-polar, at codon 389 of the SCN2A protein (p.Leu389Val). This variant is present in population databases (rs761665229, gnomAD 0.009%). This variant has not been reported in the literature in individuals affected with SCN2A-related conditions. Advanced modeling of protein sequence and biophysical properties (such as structural, functional, and spatial information, amino acid conservation, physicochemical variation, residue mobility, and thermodynamic stability) has been performed at Invitae for this missense variant, however the output from this modeling did not meet the statistical confidence thresholds required to predict the impact of this variant on SCN2A protein function. In summary, the available evidence is currently insufficient to determine the role of this variant in disease. Therefore, it has been classified as a Variant of Uncertain Significance.

NM_001040142.2(SCN2A):c.1165C>G (p.Leu389Val)

Gene: SCN2A (sodium voltage-gated channel alpha subunit 2; plus strand). Cytogenetic location: 2q24.3.
Variant type: single nucleotide variant.
Coding change: c.1165C>G on transcript NM_001040142.2 (MANE Select); coding-DNA position 1165, C replaced by G.
Protein change: p.Leu389Val; replaces leucine 389 with valine.
Molecular consequence: missense variant.
Genome position (GRCh38, 1-based): chr2:165,313,750, C>G. VCF-style: chr2-165313750-C-G. GRCh37 (hg19) VCF-style: chr2-166170260-C-G.
Other names: c.1165C>G, p.Leu389Val (NM_001040143.2, NM_001371246.1, NM_001371247.1 and 1 more transcripts); short protein forms L389V.
Identifiers: ClinVar variation 2939619 (VCV002939619.3), dbSNP rs761665229, ClinGen allele CA1939762.